The following is an entry in ClinVar:

NM_006486.3(FBLN1):c.1697C>T (p.Thr566Met)

Gene: FBLN1 (fibulin 1; plus strand). Cytogenetic location: 22q13.31.
Variant type: single nucleotide variant.
Coding change: c.1697C>T on transcript NM_006486.3 (MANE Select); coding-DNA position 1697, C replaced by T.
Protein change: p.Thr566Met; replaces threonine 566 with methionine.
Molecular consequence: missense variant.
Genome position (GRCh38, 1-based): chr22:45,550,615, C>T. VCF-style: chr22-45550615-C-T. GRCh37 (hg19) VCF-style: chr22-45946495-C-T.
Other names: c.1697C>T, p.Thr566Ile (NM_001996.4, NM_006487.3); c.1697C>T, p.Thr566Met (NM_006485.4); c.1697C>T (NM_006486.2); short protein forms T566I, T566M.
Identifiers: ClinVar variation 1532893 (VCV001532893.10), dbSNP rs151076402, ClinGen allele CA10287043.

ClinVar aggregate classification (germline): Likely benign. Review status: criteria provided, single submitter (1 of 4 stars). 2 submissions from 2 submitters: Likely benign (1). 1 of the submissions does not count toward it. Last evaluated 2025-11-25.

Conditions:
FBLN1-related disorder. Also called: FBLN1-related condition.

Allele frequency attached by ClinVar (database versions not stated): gnomAD exomes 0.00010 and 0.00033; ExAC 0.00048; gnomAD 0.00118 and 0.00127; TOPMed 0.00119; 1000 Genomes Project 0.00140; 1000 Genomes Project 30x 0.00141; ESP Exome Variant Server 0.00154.
gnomAD v4.1: 328 of 1,614,066 alleles (0.02%); highest among the groups gnomAD compares: African/African-American, 0.37%; 3 homozygotes.

Submissions (2):

Labcorp Genetics (formerly Invitae), Labcorp
Classification: Likely benign. Last evaluated: 2025-11-25. Review status: criteria provided, single submitter. Criteria: Invitae Variant Classification Sherloc (09022015). Collection method: clinical testing. Allele origin: germline.

PreventionGenetics, part of Exact Sciences
Classification: Benign for FBLN1-related condition. Last evaluated: 2024-07-30. Review status: no assertion criteria provided. Collection method: clinical testing. Allele origin: germline. Not counted in ClinVar's aggregate classification.
Comment: This variant is classified as benign based on ACMG/AMP sequence variant interpretation guidelines (Richards et al. 2015 PMID: 25741868, with internal and published modifications).